The following is an entry in ClinVar:

ClinVar aggregate classification (germline): Uncertain significance (1 of 4 stars; one submission).

Conditions:
Inborn genetic diseases. Identifiers: MedGen C0950123, MeSH D030342.

Submission:

Ambry Genetics
Classification: Uncertain significance for Inborn genetic diseases. Last evaluated: 2025-04-14. Review status: criteria provided, single submitter. Criteria: Ambry Variant Classification Scheme 2023. Collection method: clinical testing. Allele origin: germline.
Comment: The c.6060+2dupT variant results from a duplication of 1 nucleotide at position 2 after coding exon 12 of the SETD2 gene. This variant does not change the sequence of the canonical donor at this splice site. This variant was not reported in population-based cohorts in the Genome Aggregation Database (gnomAD). This nucleotide position is highly conserved in available vertebrate species. In silico splice site analysis predicts that this alteration will weaken the native splice donor site. Based on insufficient or conflicting evidence, the clinical significance of this alteration remains unclear.

NM_014159.7(SETD2):c.6060+2dup

Gene: SETD2 (SET domain containing 2, histone lysine methyltransferase; minus strand). Cytogenetic location: 3p21.31.
Variant type: Duplication.
Coding change: c.6060+2dup on transcript NM_014159.7 (MANE Select); the canonical splice donor site of the intron after coding-DNA position 6060, one base duplicated (T; older notation c.6060+2dupT).
Molecular consequence: splice donor variant.
Genome position (GRCh38, 1-based): chr3:47,083,718, A duplicated on the plus strand (T on the coding strand, the reverse complement: SETD2 is on the minus strand). VCF-style (leftmost placement, unchanged base first): chr3-47083717-T-TA. GRCh37 (hg19) VCF-style: chr3-47125207-T-TA.
Other names: c.5928+2dup (NM_001349370.3).
Identifiers: ClinVar variation 3952839 (VCV003952839.1).